The following is an entry in ClinVar:

NM_006642.5(SDCCAG8):c.1244T>C (p.Ile415Thr)

Gene: SDCCAG8 (SHH signaling and ciliogenesis regulator SDCCAG8; plus strand). Cytogenetic location: 1q43.
Variant type: single nucleotide variant.
Coding change: c.1244T>C on transcript NM_006642.5 (MANE Select); coding-DNA position 1244, T replaced by C.
Protein change: p.Ile415Thr; replaces isoleucine 415 with threonine.
Molecular consequence: missense variant.
Genome position (GRCh38, 1-based): chr1:243,341,061, T>C. VCF-style: chr1-243341061-T-C. GRCh37 (hg19) VCF-style: chr1-243504363-T-C.
Other names: c.1244T>C (NM_006642.3); c.341T>C, p.Ile114Thr (NM_001350246.2, NM_001350247.2, NM_001350251.2); c.1340T>C, p.Ile447Thr (NM_001350248.2); c.950T>C, p.Ile317Thr (NM_001350249.2); short protein forms I415T, I447T, I317T, I114T.
Identifiers: ClinVar variation 2049556 (VCV002049556.5), dbSNP rs753213107, ClinGen allele CA1483601.

ClinVar aggregate classification (germline): Uncertain significance. Review status: criteria provided, single submitter (1 of 4 stars). 2 submissions from 2 submitters: Uncertain significance (1). 1 of the submissions does not count toward it. Last evaluated 2021-12-27.

Conditions:
SDCCAG8-related disorder. Also called: SDCCAG8-Related Disorders; SDCCAG8-related condition.
Bardet-Biedl syndrome 16 (BBS16). Identifiers: Orphanet 110, MedGen C3889474, MONDO:0014444, OMIM 615993.
Senior-Loken syndrome 7 (SLSN7). Identifiers: Orphanet 3156, MedGen C3150877, MONDO:0013326, OMIM 613615.

Allele frequency attached by ClinVar (database versions not stated): gnomAD exomes below 0.00001; ExAC 0.00001; gnomAD 0.00001.

Submissions (2):

Labcorp Genetics (formerly Invitae), Labcorp
Classification: Uncertain significance for Bardet-Biedl syndrome 16; Senior-Loken syndrome 7. Last evaluated: 2021-12-27. Review status: criteria provided, single submitter. Criteria: Invitae Variant Classification Sherloc (09022015). Collection method: clinical testing. Allele origin: germline.
Comment: In summary, the available evidence is currently insufficient to determine the role of this variant in disease. Therefore, it has been classified as a Variant of Uncertain Significance. Algorithms developed to predict the effect of missense changes on protein structure and function are either unavailable or do not agree on the potential impact of this missense change (SIFT: "Tolerated"; PolyPhen-2: "Possibly Damaging"; Align-GVGD: "Class C0"). This variant has not been reported in the literature in individuals affected with SDCCAG8-related conditions. This variant is present in population databases (rs753213107, gnomAD 0.009%). This sequence change replaces isoleucine, which is neutral and non-polar, with threonine, which is neutral and polar, at codon 415 of the SDCCAG8 protein (p.Ile415Thr).

PreventionGenetics, part of Exact Sciences
Classification: Uncertain significance for SDCCAG8-related condition. Last evaluated: 2023-12-18. Review status: no assertion criteria provided. Collection method: clinical testing. Allele origin: germline. Not counted in ClinVar's aggregate classification.
Comment: The SDCCAG8 c.1244T>C variant is predicted to result in the amino acid substitution p.Ile415Thr. To our knowledge, this variant has not been reported in the literature. This variant is reported in 0.0087% of alleles in individuals of Latino descent in gnomAD. At this time, the clinical significance of this variant is uncertain due to the absence of conclusive functional and genetic evidence.